The following is an entry in ClinVar:

ClinVar aggregate classification (germline): Uncertain significance. Review status: reviewed by expert panel (3 of 4 stars). 3 submissions from 3 submitters: Uncertain significance (1). 2 of the submissions do not count toward it. Last evaluated 2025-06-24.

Conditions:
Autosomal recessive limb-girdle muscular dystrophy. Identifiers: Orphanet 102015, MedGen C2931907, MONDO:0015152.

gnomAD v4.1: 2 of 1,614,096 alleles (0.00012%); highest among the groups gnomAD compares: East Asian, 0.0022%; no homozygotes.

Submissions (3):

ClinGen Limb Girdle Muscular Dystrophy Variant Curation Expert Panel, ClinGen
Classification: Uncertain significance for Autosomal recessive limb-girdle muscular dystrophy. Last evaluated: 2025-06-24. Review status: reviewed by expert panel. Criteria: ClinGen LGMD VCEP ACMG Specifications DYSF V1.0.0. Collection method: curation. Allele origin: germline. Inheritance: Autosomal recessive inheritance.
Comment: The NM_003494.4: c.1160G>C variant in DYSF, which is also known as NM_001130987.2: c.1256G>C p.(Arg419Pro), is a missense variant predicted to cause substitution of arginine to proline at amino acid 387, p.(Arg387Pro). This variant has been reported in three patients with LGMD (PMID: 30564623, 39548682), including in an unknown phase with a pathogenic variant (c.2163-2A>G, 0.5 pts, PMID: 30564623, LOVD Individual #00222090) and in a homozygous state in two individuals, both with known consanguinity (0.25 pts for each patient; PMID: 39548682, LOVD Individuals #00392018, #00391975) (PM3; PP4). The highest minor allele frequency for this variant is 0.00002519 (1/39700 exome chromosomes) in the East Asian population in gnomAD v4.1.0, which is less than the VCEP threshold of 0.0001 (PM2_Supporting). The computational predictor REVEL gives a score of 0.86, which is above the LGMD VCEP threshold of ≥0.70, evidence that correlates with impact to DYSF function (PP3). In summary, due to insufficient evidence, this variant is classified as a variant of uncertain significance for autosomal recessive limb girdle muscular dystrophy based on the ACMG/AMP criteria applied, as specified by the ClinGen LGMD VCEP (LGMD VCEP specifications version 1.0.0; 06/24/2025): PM2_Supporting, PM3, PP4, PP3.

Myriad Genetics, Inc.
Classification: Likely pathogenic for Autosomal recessive limb-girdle muscular dystrophy. Last evaluated: 2026-04-22. Review status: criteria provided, single submitter. Criteria: Myriad Autosomal Dominant, Autosomal Recessive and X-Linked Classification Criteria (2023). Collection method: clinical testing. Allele origin: unknown. Not counted in ClinVar's aggregate classification.
Comment: NM_003494.3(DYSF):c.1160G>C(R387P) is a missense variant classified as likely pathogenic in the context of dysferlinopathy. R387P has been observed in cases with relevant disease (PMID: 39548682, 40062450, 30564623). Relevant functional assessments of this variant are not available in the literature. R387P has not been observed in referenced population frequency databases. In summary, NM_003494.3(DYSF):c.1160G>C(R387P) is a missense variant that has been observed more frequently in cases with the relevant disease than in healthy populations. Please note: this variant was assessed in the context of healthy population screening.

Eurofins Ntd Llc (ga)
Classification: Uncertain significance. Last evaluated: 2016-10-27. Review status: criteria provided, single submitter. Criteria: EGL Classification Definitions 2015. Collection method: clinical testing. Allele origin: germline. Observed: 1 variant allele, 1 heterozygote. Not counted in ClinVar's aggregate classification.

Literature cited by the submitters: PubMed 30564623 (cited by Myriad Genetics, Inc.); PubMed 39548682 (cited by Myriad Genetics, Inc.); PubMed 40062450 (cited by Myriad Genetics, Inc.).

NM_001130987.2(DYSF):c.1256G>C (p.Arg419Pro)

Gene: DYSF (dysferlin; plus strand). Cytogenetic location: 2p13.2.
Variant type: single nucleotide variant.
Coding change: c.1256G>C on transcript NM_001130987.2 (MANE Select); coding-DNA position 1256, G replaced by C.
Protein change: p.Arg419Pro; replaces arginine 419 with proline.
Molecular consequence: missense variant.
Genome position (GRCh38, 1-based): chr2:71,526,326, G>C. VCF-style: chr2-71526326-G-C. GRCh37 (hg19) VCF-style: chr2-71753456-G-C.
Other names: NM_001130987.2(DYSF):c.1256G>C; p.Arg419Pro; c.1163G>C, p.Arg388Pro (NM_001130455.2, NM_001130983.2, NM_001130984.2 and 1 more transcripts); c.1160G>C, p.Arg387Pro (NM_001130976.2, NM_001130977.2, NM_001130978.2 and 1 more transcripts); c.1253G>C, p.Arg418Pro (NM_001130979.2, NM_001130980.2, NM_001130981.2); c.1256G>C, p.Arg419Pro (NM_001130982.2, NM_001130985.2); short protein forms R387P, R419P, R388P, R418P.
Identifiers: ClinVar variation 498211 (VCV000498211.7), dbSNP rs776036392, ClinGen allele CA347213551.